The following is an entry in ClinVar:

ClinVar aggregate classification (germline): Uncertain significance (1 of 4 stars; one submission).

Conditions:
Low phospholipid associated cholelithiasis (GBD1). Also called: Gallstone cholecystitis; Gallbladder disease 1. Identifiers: Orphanet 69663, MedGen C2609268, MONDO:0010939, OMIM 600803.

gnomAD v4.1: 1 of 1,613,896 alleles (0.000062%); highest among the groups gnomAD compares: African/African-American, 0.0013%; no homozygotes.

Submission:

Juno Genomics, Hangzhou Juno Genomics, Inc
Classification: Uncertain significance for Low phospholipid associated cholelithiasis. Review status: criteria provided, single submitter. Criteria: ACMG Guidelines, 2015. Collection method: clinical testing. Allele origin: germline. Affected: yes.
Comment: Absent from controls (or at extremely low frequency if recessive) in Genome Aggregation Database, Exome Sequencing Project, 1000 Genomes Project, or Exome Aggregation Consortium.;Multiple lines of computational evidence support a deleterious effect on the gene or gene product (conservation, evolutionary, splicing impact, etc).;Patient's phenotype or family history is highly specific for a disease with a single genetic etiology.

NM_000443.4(ABCB4):c.1199A>C (p.His400Pro)

Gene: ABCB4 (ATP binding cassette subfamily B member 4; minus strand). Cytogenetic location: 7q21.12.
Variant type: single nucleotide variant.
Coding change: c.1199A>C on transcript NM_000443.4 (MANE Select); coding-DNA position 1199, A replaced by C.
Protein change: p.His400Pro; replaces histidine 400 with proline.
Molecular consequence: missense variant.
Genome position (GRCh38, 1-based): chr7:87,443,694, T>G on the plus strand (A>C on the coding strand, the complement: ABCB4 is on the minus strand). VCF-style: chr7-87443694-T-G. GRCh37 (hg19) VCF-style: chr7-87073010-T-G.
Other names: c.1199A>C, p.His400Pro (NM_018849.3, NM_018850.3); short protein forms H400P.
Identifiers: ClinVar variation 3381906 (VCV003381906.2).